The following is an entry in ClinVar:

ClinVar aggregate classification (germline): Pathogenic/Likely pathogenic. Review status: criteria provided, multiple submitters, no conflicts (2 of 4 stars). 2 submissions from 2 submitters: Pathogenic (1); Likely pathogenic (1). Last evaluated 2025-07-06.

Conditions:
Marfan syndrome (MFS). Also called: MARFAN SYNDROME, TYPE I; Marfan syndrome type 1; Marfan's syndrome; Marfan syndrome, classic; FBN1-Related Marfan Syndrome. Identifiers: Orphanet 284963, Orphanet 558, MedGen C0024796, MONDO:0007947, OMIM 154700.
Familial thoracic aortic aneurysm and aortic dissection (TAAD). Also called: Thoracic aortic aneurysms and dissections. Identifiers: Orphanet 91387, MedGen C4707243, MONDO:0019625.

Submissions (2):

Labcorp Genetics (formerly Invitae), Labcorp
Classification: Pathogenic for Marfan syndrome; Familial thoracic aortic aneurysm and aortic dissection. Last evaluated: 2025-07-06. Review status: criteria provided, single submitter. Criteria: Invitae Variant Classification Sherloc (09022015). Collection method: clinical testing. Allele origin: germline.
Comment: This sequence change creates a premature translational stop signal (p.Tyr2004*) in the FBN1 gene. It is expected to result in an absent or disrupted protein product. Loss-of-function variants in FBN1 are known to be pathogenic (PMID: 17657824, 19293843). This variant is not present in population databases (gnomAD no frequency). This variant has not been reported in the literature in individuals affected with FBN1-related conditions. ClinVar contains an entry for this variant (Variation ID: 3075817). For these reasons, this variant has been classified as Pathogenic.

Laboratory for Molecular Medicine, Mass General Brigham Personalized Medicine
Classification: Likely pathogenic for Marfan syndrome. Last evaluated: 2020-08-24. Review status: criteria provided, single submitter. Criteria: ACMG Guidelines, 2015. Collection method: clinical testing. Allele origin: germline.
Comment: The p.Tyr2004X variant in FBN1 has not been identified in individual with Marfan syndrome and was absent from large population studies. This nonsense variant leads to a premature termination codon at position 2004, which is predicted to lead to a truncated or absent protein. Loss of function of the FBN1 gene is an established disease mechanism in Marfan syndrome. In summary, although additional studies are required to fully establish its clinical significance, this variant meets criteria to be classified as likely pathogenic for autosomal dominant Marfan syndrome. ACMG/AMP Criteria applied: PVS1; PM2.

Literature cited by the submitters: PubMed 17657824 (cited by Labcorp Genetics (formerly Invitae), Labcorp); PubMed 19293843 (cited by Labcorp Genetics (formerly Invitae), Labcorp).

NM_000138.5(FBN1):c.6012C>G (p.Tyr2004Ter)

Gene: FBN1 (fibrillin 1; minus strand). Cytogenetic location: 15q21.1.
Variant type: single nucleotide variant.
Coding change: c.6012C>G on transcript NM_000138.5 (MANE Select); coding-DNA position 6012, C replaced by G.
Protein change: p.Tyr2004Ter; replaces tyrosine 2004 with a stop codon.
Molecular consequence: nonsense.
Genome position (GRCh38, 1-based): chr15:48,444,566, G>C on the plus strand (C>G on the coding strand, the complement: FBN1 is on the minus strand). VCF-style: chr15-48444566-G-C. GRCh37 (hg19) VCF-style: chr15-48736763-G-C.
Other names: c.6012C>G, p.Tyr2004Ter (NM_001406716.1); short protein forms Y2004*.
Identifiers: ClinVar variation 3075817 (VCV003075817.3), dbSNP rs2505451856, ClinGen allele CA392339610.
Genomic context (GRCh38, chr15:48,444,566, plus strand): 5'-CACTCCTCATTTGCTACAACTGATAGCTTTCCTACCTTCACACTTCTCATTTTGAAGACT[G>C]TATCCAGGTGGGCAAATGCATCTGTAGGACCCATCCAAGTTTTGACAGGTACCTGGTGCA-3'